The following is an entry in ClinVar:

ClinVar aggregate classification (germline): Conflicting classifications of pathogenicity. Review status: criteria provided, conflicting classifications (1 of 4 stars). 4 submissions from 3 submitters: Pathogenic (1); Likely pathogenic (2); Uncertain significance (1). Last evaluated 2023-12-27.

Conditions:
Cataract 41 (CTRCT41). Also called: CATARACT 41, CONGENITAL NUCLEAR TYPE. Identifiers: Orphanet 91492, Orphanet 98991, Orphanet 98992, Orphanet 98995, MedGen C3805412, MONDO:0007287, OMIM 116400.
Autosomal dominant nonsyndromic hearing loss 6 (LFSNHL). Also called: DEAFNESS, AUTOSOMAL DOMINANT 6; DEAFNESS, AUTOSOMAL DOMINANT 14; DEAFNESS, AUTOSOMAL DOMINANT 38; Autosomal dominant nonsyndromic deafness 6. Identifiers: Orphanet 90635, MedGen C1833021, MONDO:0010963, OMIM 600965.
Wolfram-like syndrome. Also called: HEARING LOSS, PROGRESSIVE, WITH OPTIC ATROPHY AND/OR IMPAIRED GLUCOSE REGULATION. Identifiers: Orphanet 411590, MedGen C3280358, MONDO:0013673, OMIM 614296.
Type 2 diabetes mellitus. Also called: Type II diabetes mellitus. Identifiers: MedGen C0011860, MeSH D003924, MONDO:0005148, OMIM 125853, HP:0005978.
Wolfram syndrome 1 (WFS1). Identifiers: Orphanet 3463, MedGen C4551693, MONDO:0009101, OMIM 222300.

Submissions (4):

Fulgent Genetics
Classification: Likely pathogenic for Cataract 41; Type 2 diabetes mellitus; Wolfram syndrome 1; Autosomal dominant nonsyndromic hearing loss 6; Wolfram-like syndrome. Last evaluated: 2023-12-27. Review status: criteria provided, single submitter. Criteria: ACMG Guidelines, 2015. Collection method: clinical testing. Allele origin: germline.

New York Genome Center
Classification: Uncertain significance for Wolfram-like syndrome. Last evaluated: 2019-12-20. Review status: criteria provided, single submitter. Criteria: NYGC Assertion Criteria 2020. Collection method: clinical testing. Allele origin: paternal. Inheritance: Autosomal dominant inheritance. Observed: 1 heterozygote. Study: CSER-NYCKidSeq. Segregation with disease not observed.

New York Genome Center
Classification: Likely pathogenic for Wolfram syndrome 1. Last evaluated: 2019-12-20. Review status: criteria provided, single submitter. Criteria: NYGC Assertion Criteria 2020. Collection method: clinical testing. Allele origin: paternal. Inheritance: Autosomal recessive inheritance. Observed: 1 heterozygote. Study: CSER-NYCKidSeq.

Clinical Genomics, Uppaluri K&H Personalized Medicine Clinic
Classification: Pathogenic for Wolfram syndrome 1. Review status: criteria provided, single submitter. Criteria: K & H Uppaluri Personalized Medicine Clinic Variant Classification & Assertion Criteria_Updated V.1. Collection method: research. Allele origin: unknown. Inheritance: Autosomal recessive inheritance.
Comment: Potent mutations in WFS1 gene are associated with Wolfram's syndrome, an autosomal recessive condition, which cause diabetes mellitus, diabetes insipidus, deafness and optic atrophy. However no sufficient evidence is found to ascertain the role of this particular variant rs779272128 in Wolfram's syndrome yet.

Literature cited by the submitters: PubMed 20738327 (cited by Clinical Genomics, Uppaluri K&H Personalized Medicine Clinic); PubMed 33879153 (cited by Clinical Genomics, Uppaluri K&H Personalized Medicine Clinic); PubMed 12955714 (cited by Clinical Genomics, Uppaluri K&H Personalized Medicine Clinic); PubMed 18060660 (cited by Clinical Genomics, Uppaluri K&H Personalized Medicine Clinic); PubMed 20301750 (cited by Clinical Genomics, Uppaluri K&H Personalized Medicine Clinic); PubMed 17603484 (cited by Clinical Genomics, Uppaluri K&H Personalized Medicine Clinic).

NM_006005.3(WFS1):c.578dup (p.Gln194fs)

Gene: WFS1 (wolframin ER transmembrane glycoprotein; plus strand). Cytogenetic location: 4p16.1.
Variant type: Duplication.
Coding change: c.578dup on transcript NM_006005.3 (MANE Select); coding-DNA position 578, one base duplicated (A; older notation c.578dupA).
Protein change: p.Gln194fs; shifts the reading frame from glutamine 194.
Molecular consequence: frameshift variant.
Genome position (GRCh38, 1-based): chr4:6,291,314, A duplicated; the last of 2 consecutive A bases (chr4:6,291,313-6,291,314); duplicating either gives the same sequence. VCF-style (leftmost placement, unchanged base first): chr4-6291312-G-GA. GRCh37 (hg19) VCF-style: chr4-6293039-G-GA.
Other names: c.578dup, p.Gln194fs (NM_001145853.1); short protein forms Q194fs.
Identifiers: ClinVar variation 996897 (VCV000996897.3), dbSNP rs779272128, ClinGen allele CA2838942.